The following is an entry in ClinVar:

NM_007294.4(BRCA1):c.5171A>G (p.Lys1724Arg)

Gene: BRCA1 (BRCA1 DNA repair associated; minus strand). Cytogenetic location: 17q21.31.
Variant type: single nucleotide variant.
Coding change: c.5171A>G on transcript NM_007294.4 (MANE Select); coding-DNA position 5171, A replaced by G.
Protein change: p.Lys1724Arg; replaces lysine 1724 with arginine.
Molecular consequence: missense variant. On other transcripts: non-coding transcript variant (1).
Genome position (GRCh38, 1-based): chr17:43,063,355, T>C on the plus strand (A>G on the coding strand, the complement: BRCA1 is on the minus strand). VCF-style: chr17-43063355-T-C. GRCh37 (hg19) VCF-style: chr17-41215372-T-C.
Other names: c.5111A>G, p.Lys1704Arg (NM_001407649.1); c.5093A>G, p.Lys1698Arg (NM_001407652.1, NM_001407653.1, NM_001407654.1 and 1 more transcripts); c.5090A>G, p.Lys1697Arg (NM_001407656.1, NM_001407657.1, NM_001407658.1); c.5087A>G, p.Lys1696Arg (NM_001407659.1, NM_001407660.1, NM_001407661.1 and 2 more transcripts); c.5045A>G, p.Lys1682Arg (NM_001407670.1, NM_001407671.1, NM_001407672.1 and 10 more transcripts); c.5042A>G, p.Lys1681Arg (NM_001407689.1, NM_001407681.1, NM_001407682.1 and 6 more transcripts); c.5039A>G, p.Lys1680Arg (NM_001407690.1, NM_001407691.1); c.5030A>G, p.Lys1677Arg (NM_001407692.1, NM_001407694.1, NM_001407695.1 and 13 more transcripts); and 72 more; short protein forms K1677R, K1745R, K620R, K1724R, K1427R, K1570R, K1596R, K1611R.
Identifiers: ClinVar variation 867762 (VCV000867762.3), dbSNP rs2051863566, ClinGen allele CA10591202.

Conditions:
Breast-ovarian cancer, familial, susceptibility to, 1 (BROVCA1). Also called: BRCA1 Hereditary Breast and Ovarian Cancer; OVARIAN CANCER, SUSCEPTIBILITY TO. Identifiers: Orphanet 145, MedGen C2676676, MONDO:0011450, OMIM 604370. Disease mechanism: loss of function.

Submission:

Brotman Baty Institute, University of Washington
No classification provided (evidence only). Condition: Breast-ovarian cancer, familial 1. Review status: no classification provided. Collection method: in vitro. Allele origin: not applicable. Functional consequence: functionally_normal.
ClinVar note: "not provided" was previously submitted as the classification for the variant. However, the classification appeared to be based only on an observation of functional data so it was converted to no classification on 2025-07-30.